The following is an entry in ClinVar:

NM_001367561.1(DOCK7):c.1787G>A (p.Ser596Asn)

Gene: DOCK7 (dedicator of cytokinesis 7; minus strand). Cytogenetic location: 1p31.3.
Variant type: single nucleotide variant.
Coding change: c.1787G>A on transcript NM_001367561.1 (MANE Select); coding-DNA position 1787, G replaced by A.
Protein change: p.Ser596Asn; replaces serine 596 with asparagine.
Molecular consequence: missense variant.
Genome position (GRCh38, 1-based): chr1:62,586,520, C>T on the plus strand (G>A on the coding strand, the complement: DOCK7 is on the minus strand). VCF-style: chr1-62586520-C-T. GRCh37 (hg19) VCF-style: chr1-63052191-C-T.
Other names: c.1787G>A, p.Ser596Asn (NM_001271999.2, NM_001272000.2, NM_001272001.2 and 3 more transcripts); short protein forms S596N.
Identifiers: ClinVar variation 1436699 (VCV001436699.3), dbSNP rs140339190, ClinGen allele CA886465.
Genomic context (GRCh38, chr1:62,586,520, plus strand): 5'-TTTGAACTTAATACAAAAAATTAGAAAAGTAAAAGAACATTTCTTACCGGCATGGCATTG[C>T]TTGGATCCTCTCCATACATAAACTGGACTTTCACTGTTATATTTCTAGCAGAACCTTGAC-3'
Protein context (NP_001354490.1, residues 586-606): KVQFMYGEDP[Ser596Asn]NAMPVIFGKS

ClinVar aggregate classification (germline): Uncertain significance (1 of 4 stars; one submission).

Conditions:
Developmental and epileptic encephalopathy, 23 (DEE23). Also called: Epileptic encephalopathy, early infantile, 23. Identifiers: Orphanet 411986, MedGen C4014492, MONDO:0014371, OMIM 615859.

Allele frequency attached by ClinVar (database versions not stated): ExAC 0.00002; gnomAD exomes 0.00003 and 0.00004; TOPMed 0.00004; gnomAD 0.00007 and 0.00008; ESP Exome Variant Server 0.00008.

Submission:

Labcorp Genetics (formerly Invitae), Labcorp
Classification: Uncertain significance for Developmental and epileptic encephalopathy, 23. Last evaluated: 2022-09-07. Review status: criteria provided, single submitter. Criteria: Invitae Variant Classification Sherloc (09022015). Collection method: clinical testing. Allele origin: germline.
Comment: This sequence change replaces serine, which is neutral and polar, with asparagine, which is neutral and polar, at codon 596 of the DOCK7 protein (p.Ser596Asn). This variant is present in population databases (rs140339190, gnomAD 0.006%). This variant has not been reported in the literature in individuals affected with DOCK7-related conditions. ClinVar contains an entry for this variant (Variation ID: 1436699). Algorithms developed to predict the effect of missense changes on protein structure and function (SIFT, PolyPhen-2, Align-GVGD) all suggest that this variant is likely to be tolerated. In summary, the available evidence is currently insufficient to determine the role of this variant in disease. Therefore, it has been classified as a Variant of Uncertain Significance.